The following is an entry in ClinVar:

ClinVar aggregate classification (germline): Uncertain significance (1 of 4 stars; one submission).

Submission:

Ambry Genetics
Classification: Uncertain significance. Last evaluated: 2023-05-13. Review status: criteria provided, single submitter. Criteria: Ambry Variant Classification Scheme 2023. Collection method: clinical testing. Allele origin: germline.
Comment: The p.Q292H variant (also known as c.876G>C), located in coding exon 7 of the RECQL gene, results from a G to C substitution at nucleotide position 876. The glutamine at codon 292 is replaced by histidine, an amino acid with highly similar properties. This amino acid position is conserved. In addition, this alteration is predicted to be tolerated by in silico analysis. Since supporting evidence is limited at this time, the clinical significance of this alteration remains unclear.

NM_002907.4(RECQL):c.876G>C (p.Gln292His)

Gene: RECQL (RecQ like helicase; minus strand). Cytogenetic location: 12p12.1.
Variant type: single nucleotide variant.
Coding change: c.876G>C on transcript NM_002907.4 (MANE Select); coding-DNA position 876, G replaced by C.
Protein change: p.Gln292His; replaces glutamine 292 with histidine.
Molecular consequence: missense variant.
Genome position (GRCh38, 1-based): chr12:21,476,984, C>G on the plus strand (G>C on the coding strand, the complement: RECQL is on the minus strand). VCF-style: chr12-21476984-C-G. GRCh37 (hg19) VCF-style: chr12-21629918-C-G.
Other names: c.876G>C, p.Gln292His (NM_032941.3); short protein forms Q292H.
Identifiers: ClinVar variation 2565580 (VCV002565580.2), dbSNP rs774921610, ClinGen allele CA384123150.